The following is an entry in ClinVar:

ClinVar aggregate classification (germline): Uncertain significance (1 of 4 stars; one submission).

Submission:

CeGaT Center for Human Genetics Tuebingen
Classification: Uncertain significance. Last evaluated: 2025-07-01. Review status: criteria provided, single submitter. Criteria: CeGaT Center For Human Genetics Tuebingen Variant Classification Criteria Version 2. Collection method: clinical testing. Allele origin: germline. Affected: yes. Observed: 1 variant allele.
Comment: ATP1A1: PM2, PP2

NM_000701.8(ATP1A1):c.80A>G (p.Lys27Arg)

Gene: ATP1A1 (ATPase Na+/K+ transporting subunit alpha 1; plus strand). Cytogenetic location: 1p13.1.
Variant type: single nucleotide variant.
Coding change: c.80A>G on transcript NM_000701.8 (MANE Select); coding-DNA position 80, A replaced by G.
Protein change: p.Lys27Arg; replaces lysine 27 with arginine.
Molecular consequence: missense variant. On other transcripts: 5 prime UTR variant (1).
Genome position (GRCh38, 1-based): chr1:116,384,081, A>G. VCF-style: chr1-116384081-A-G. GRCh37 (hg19) VCF-style: chr1-116926703-A-G.
Other names: c.80A>G, p.Lys27Arg (NM_001160233.2); c.-14A>G (NM_001160234.2); short protein forms K27R.
Identifiers: ClinVar variation 4085486 (VCV004085486.8).